The following is an entry in ClinVar:

NM_004284.6(CHD1L):c.1962A>G (p.Arg654=)

Gene: CHD1L (chromodomain helicase DNA binding protein 1 like; plus strand). Cytogenetic location: 1q21.1.
Variant type: single nucleotide variant.
Coding change: c.1962A>G on transcript NM_004284.6 (MANE Select); coding-DNA position 1962, A replaced by G.
Protein change: p.Arg654=; no amino-acid change (arginine 654 retained).
Molecular consequence: synonymous variant. On other transcripts: non-coding transcript variant (16).
Genome position (GRCh38, 1-based): chr1:147,285,431, A>G. VCF-style: chr1-147285431-A-G. GRCh37 (hg19) VCF-style: chr1-146757108-A-G.
Other names: c.1119A>G, p.Arg373= (NM_001348456.2, NM_001348457.2, NM_001348458.2 and 9 more transcripts); c.1623A>G, p.Arg541= (NM_024568.4, NM_001348453.2); c.1662A>G, p.Arg554= (NM_001256336.3); c.1350A>G, p.Arg450= (NM_001256338.3); c.1746A>G, p.Arg582= (NM_001348451.2, NM_001348452.2); c.1506A>G, p.Arg502= (NM_001348454.2); c.1473A>G, p.Arg491= (NM_001348455.2); c.1962A>G (NM_004284.4).
Identifiers: ClinVar variation 2639120 (VCV002639120.25), dbSNP rs150176851, ClinGen allele CA1063894.
Genomic context (GRCh38, chr1:147,285,431, plus strand): 5'-TCTGAGTCCAGAAGAGCTGGAGGACAGACAGAAGAAAAGACAAGAAGCAGCTGCCAAGAG[A>G]AGGAGACTCATAGAGGAGAAGAAGAGGCAAAAGGAAGAGGCTGAACATAAGAAAAAGTAT-3'
Protein context (NP_004275.4, residues 644-664): QKKRQEAAAK[Arg654=]RRLIEEKKRQ

ClinVar aggregate classification (germline): Likely benign. Review status: criteria provided, multiple submitters, no conflicts (2 of 4 stars). 3 submissions from 3 submitters: Likely benign (2). 1 of the submissions does not count toward it. Last evaluated 2024-11-12.

Conditions:
CHD1L-related disorder. Also called: CHD1L-related condition.

Allele frequency attached by ClinVar (database versions not stated): ESP Exome Variant Server 0.00031; gnomAD 0.00050; gnomAD exomes 0.00057; ExAC 0.00059; 1000 Genomes Project 30x 0.00062; 1000 Genomes Project 0.00080; TOPMed 0.00097.
gnomAD v4.1: 968 of 1,614,012 alleles (0.06%); highest among the groups gnomAD compares: Middle Eastern, 0.65%; 2 homozygotes.

Submissions (3):

Blueprint Genetics
Classification: Likely benign. Last evaluated: 2024-11-12. Review status: criteria provided, single submitter. Criteria: ACMG Guidelines, 2015. Collection method: clinical testing. Allele origin: germline.

CeGaT Center for Human Genetics Tuebingen
Classification: Likely benign. Last evaluated: 2023-04-01. Review status: criteria provided, single submitter. Criteria: CeGaT Center For Human Genetics Tuebingen Variant Classification Criteria Version 2. Collection method: clinical testing. Allele origin: germline. Affected: yes. Observed: 1 variant allele.
Comment: CHD1L: BP4, BP7

PreventionGenetics, part of Exact Sciences
Classification: Likely benign for CHD1L-related condition. Last evaluated: 2024-07-15. Review status: no assertion criteria provided. Collection method: clinical testing. Allele origin: germline. Not counted in ClinVar's aggregate classification.
Comment: This variant is classified as likely benign based on ACMG/AMP sequence variant interpretation guidelines (Richards et al. 2015 PMID: 25741868, with internal and published modifications).